The following is an entry in ClinVar:

NM_004656.4(BAP1):c.1203T>C (p.Tyr401=)

Gene: BAP1 (BRCA1 associated deubiquitinase 1; minus strand). Cytogenetic location: 3p21.1.
Variant type: single nucleotide variant.
Coding change: c.1203T>C on transcript NM_004656.4 (MANE Select); coding-DNA position 1203, T replaced by C.
Protein change: p.Tyr401=; no amino-acid change (tyrosine 401 retained).
Molecular consequence: synonymous variant.
Genome position (GRCh38, 1-based): chr3:52,404,500, A>G on the plus strand (T>C on the coding strand, the complement: BAP1 is on the minus strand). VCF-style: chr3-52404500-A-G. GRCh37 (hg19) VCF-style: chr3-52438516-A-G.
Identifiers: ClinVar variation 1558682 (VCV001558682.11), dbSNP rs200156887, ClinGen allele CA433773966.

ClinVar aggregate classification (germline): Benign/Likely benign. Review status: criteria provided, multiple submitters, no conflicts (2 of 4 stars). 3 submissions from 3 submitters: Benign (1); Likely benign (2). Last evaluated 2025-09-09.

Conditions:
BAP1-related tumor predisposition syndrome (TPDS1). Also called: COMMON Syndrome; TUMOR PREDISPOSITION SYNDROME 1; Tumor susceptibility linked to germline BAP1 mutations; BAP1 tumor predisposition syndrome. Identifiers: Orphanet 289539, MedGen C3280492, MONDO:0013692, OMIM 614327.
Hereditary cancer-predisposing syndrome. Also called: Hereditary neoplastic syndrome; Neoplastic Syndromes, Hereditary; Hereditary Cancer Syndrome; Tumor predisposition. Identifiers: Orphanet 140162, MedGen C0027672, MeSH D009386, MONDO:0015356.

Submissions (3):

Labcorp Genetics (formerly Invitae), Labcorp
Classification: Likely benign for BAP1-related tumor predisposition syndrome. Last evaluated: 2025-09-09. Review status: criteria provided, single submitter. Criteria: Invitae Variant Classification Sherloc (09022015). Collection method: clinical testing. Allele origin: germline.

Myriad Genetics, Inc.
Classification: Benign for BAP1-related tumor predisposition syndrome. Last evaluated: 2024-07-15. Review status: criteria provided, single submitter. Criteria: Myriad Autosomal Dominant, Autosomal Recessive and X-Linked Classification Criteria (2023). Collection method: clinical testing. Allele origin: unknown.
Comment: This variant is considered benign. This variant is a silent/synonymous amino acid change and it is not expected to impact splicing.

Ambry Genetics
Classification: Likely benign for Hereditary cancer-predisposing syndrome. Last evaluated: 2022-01-26. Review status: criteria provided, single submitter. Criteria: Ambry Variant Classification Scheme 2023. Collection method: clinical testing. Allele origin: germline.